The following is an entry in ClinVar:

ClinVar aggregate classification (germline): Uncertain significance (1 of 4 stars; one submission).

Conditions:
Cerebral creatine deficiency syndrome. Also called: Creatine deficiency syndromes. Identifiers: Orphanet 79172, MedGen C5244016, MONDO:0000456.

Submission:

Labcorp Genetics (formerly Invitae), Labcorp
Classification: Uncertain significance for Cerebral creatine deficiency syndrome. Last evaluated: 2023-03-03. Review status: criteria provided, single submitter. Criteria: Invitae Variant Classification Sherloc (09022015). Collection method: clinical testing. Allele origin: germline.
Comment: In summary, the available evidence is currently insufficient to determine the role of this variant in disease. Therefore, it has been classified as a Variant of Uncertain Significance. Advanced modeling of protein sequence and biophysical properties (such as structural, functional, and spatial information, amino acid conservation, physicochemical variation, residue mobility, and thermodynamic stability) has been performed at Invitae for this missense variant, however the output from this modeling did not meet the statistical confidence thresholds required to predict the impact of this variant on GAMT protein function. ClinVar contains an entry for this variant (Variation ID: 2090514). This variant has not been reported in the literature in individuals affected with GAMT-related conditions. This variant is not present in population databases (gnomAD no frequency). This sequence change replaces arginine, which is basic and polar, with glycine, which is neutral and non-polar, at codon 44 of the GAMT protein (p.Arg44Gly).

NM_000156.6(GAMT):c.130C>G (p.Arg44Gly)

Genes: GAMT (guanidinoacetate N-methyltransferase; minus strand), LOC130062945 (ATAC-STARR-seq lymphoblastoid silent region 9707; plus strand). Cytogenetic location: 19p13.3.
Variant type: single nucleotide variant.
Coding change: c.130C>G on transcript NM_000156.6 (MANE Select); coding-DNA position 130, C replaced by G.
Protein change: p.Arg44Gly; replaces arginine 44 with glycine.
Molecular consequence: missense variant.
Genome position (GRCh38, 1-based): chr19:1,401,347, G>C on the plus strand (C>G on the coding strand, the complement: GAMT is on the minus strand). VCF-style: chr19-1401347-G-C. GRCh37 (hg19) VCF-style: chr19-1401346-G-C.
Other names: c.130C>G, p.Arg44Gly (NM_138924.3); short protein forms R44G.
Identifiers: ClinVar variation 2090514 (VCV002090514.4), dbSNP rs1449794637, ClinGen allele CA402998101.